The following is an entry in ClinVar:

ClinVar aggregate classification (germline): Uncertain significance. Review status: criteria provided, multiple submitters, no conflicts (2 of 4 stars). 3 submissions from 3 submitters: Uncertain significance (3). Last evaluated 2026-01-20.

Conditions:
Hereditary cancer-predisposing syndrome. Also called: Neoplastic Syndromes, Hereditary; Hereditary Cancer Syndrome; Tumor predisposition; Hereditary neoplastic syndrome. Identifiers: Orphanet 140162, MedGen C0027672, MeSH D009386, MONDO:0015356.
Tumor predisposition syndrome 3 (TPDS3). Also called: Glioma susceptibility 9; LONG TELOMERE SYNDROME, POT1-RELATED; POT1 Tumor Predisposition; Melanoma, cutaneous malignant, susceptibility to, 10. Identifiers: Orphanet 618, MedGen C4014476, MONDO:0014368, OMIM 615848.

Allele frequency attached by ClinVar (database versions not stated): ExAC 0.00001.
gnomAD v4.1: 1 of 1,537,084 alleles (0.000065%); highest among the groups gnomAD compares: Admixed American, 0.0023%; no homozygotes.

Submissions (3):

Ambry Genetics
Classification: Uncertain significance for Hereditary cancer-predisposing syndrome. Last evaluated: 2026-01-20. Review status: criteria provided, single submitter. Criteria: Ambry Variant Classification Scheme 2023. Collection method: clinical testing. Allele origin: germline.
Comment: The p.T21I variant (also known as c.62C>T), located in coding exon 2 of the POT1 gene, results from a C to T substitution at nucleotide position 62. The threonine at codon 21 is replaced by isoleucine, an amino acid with similar properties. This amino acid position is conserved. In addition, this alteration is predicted to be tolerated by in silico analysis. Based on the available evidence, the clinical significance of this variant remains unclear.

Labcorp Genetics (formerly Invitae), Labcorp
Classification: Uncertain significance for Tumor predisposition syndrome 3. Last evaluated: 2025-03-31. Review status: criteria provided, single submitter. Criteria: Invitae Variant Classification Sherloc (09022015). Collection method: clinical testing. Allele origin: germline.
Comment: This sequence change replaces threonine, which is neutral and polar, with isoleucine, which is neutral and non-polar, at codon 21 of the POT1 protein (p.Thr21Ile). The frequency data for this variant in the population databases is considered unreliable, as metrics indicate poor data quality at this position in the gnomAD database. This variant has not been reported in the literature in individuals affected with POT1-related conditions. ClinVar contains an entry for this variant (Variation ID: 2574811). Invitae Evidence Modeling of protein sequence and biophysical properties (such as structural, functional, and spatial information, amino acid conservation, physicochemical variation, residue mobility, and thermodynamic stability) indicates that this missense variant is not expected to disrupt POT1 protein function with a negative predictive value of 80%. In summary, the available evidence is currently insufficient to determine the role of this variant in disease. Therefore, it has been classified as a Variant of Uncertain Significance.

GeneDx
Classification: Uncertain significance. Last evaluated: 2023-02-01. Review status: criteria provided, single submitter. Criteria: GeneDx Variant Classification Process June 2021. Collection method: clinical testing. Allele origin: germline. Affected: yes.
Comment: Not observed at significant frequency in large population cohorts (gnomAD); In silico analysis supports that this missense variant has a deleterious effect on protein structure/function; Has not been previously published as pathogenic or benign to our knowledge; This variant is associated with the following publications: (PMID: 28393830)

NM_015450.3(POT1):c.62C>T (p.Thr21Ile)

Gene: POT1 (protection of telomeres 1; minus strand). Cytogenetic location: 7q31.33.
Variant type: single nucleotide variant.
Coding change: c.62C>T on transcript NM_015450.3 (MANE Select); coding-DNA position 62, C replaced by T.
Protein change: p.Thr21Ile; replaces threonine 21 with isoleucine.
Molecular consequence: missense variant. On other transcripts: 5 prime UTR variant (1), non-coding transcript variant (3).
Genome position (GRCh38, 1-based): chr7:124,892,328, G>A on the plus strand (C>T on the coding strand, the complement: POT1 is on the minus strand). VCF-style: chr7-124892328-G-A. GRCh37 (hg19) VCF-style: chr7-124532382-G-A.
Other names: c.-201C>T (NM_001042594.2); short protein forms T21I.
Identifiers: ClinVar variation 2574811 (VCV002574811.5), dbSNP rs758908412, ClinGen allele CA4465514.